The following is an entry in ClinVar:

NM_000572.3(IL10):c.378+6T>C

Genes: IL10 (interleukin 10; minus strand), IL19 (interleukin 19; plus strand). Cytogenetic location: 1q32.1.
Variant type: single nucleotide variant.
Coding change: c.378+6T>C on transcript NM_000572.3 (MANE Select); 6 bases into the intron after coding-DNA position 378, T replaced by C.
Molecular consequence: intron variant. On other transcripts: 5 prime UTR variant (1).
Genome position (GRCh38, 1-based): chr1:206,770,901, A>G on the plus strand (T>C on the coding strand, the complement: IL10 is on the minus strand). VCF-style: chr1-206770901-A-G. GRCh37 (hg19) VCF-style: chr1-206944246-A-G.
Other names: c.-326A>G (NM_153758.5); c.123+6T>C (NM_001382624.1); c.-149+71A>G (NM_001393490.1).
Identifiers: ClinVar variation 2078691 (VCV002078691.1), dbSNP rs1234119769, ClinGen allele CA528574766.

ClinVar aggregate classification (germline): Uncertain significance (1 of 4 stars; one submission).

Conditions:
Inflammatory bowel disease. Identifiers: Orphanet 104012, MedGen C0021390, MONDO:0005265.

Allele frequency attached by ClinVar (database versions not stated): TOPMed below 0.00001; gnomAD 0.00001; gnomAD exomes 0.00001.
gnomAD v4.1: 20 of 1,613,850 alleles (0.0012%); highest among the groups gnomAD compares: Middle Eastern, 0.049%; no homozygotes.

Submission:

Labcorp Genetics (formerly Invitae), Labcorp
Classification: Uncertain significance for Inflammatory bowel disease. Last evaluated: 2022-08-27. Review status: criteria provided, single submitter. Criteria: Invitae Variant Classification Sherloc (09022015). Collection method: clinical testing. Allele origin: germline.
Comment: This sequence change falls in intron 3 of the IL10 gene. It does not directly change the encoded amino acid sequence of the IL10 protein. It affects a nucleotide within the consensus splice site. This variant is present in population databases (no rsID available, gnomAD 0.002%). This variant has not been reported in the literature in individuals affected with IL10-related conditions. Variants that disrupt the consensus splice site are a relatively common cause of aberrant splicing (PMID: 17576681, 9536098). Algorithms developed to predict the effect of sequence changes on RNA splicing suggest that this variant is not likely to affect RNA splicing. In summary, the available evidence is currently insufficient to determine the role of this variant in disease. Therefore, it has been classified as a Variant of Uncertain Significance.

Literature cited by the submitters: PubMed 17576681; PubMed 9536098.